The following is an entry in ClinVar:

NM_000059.4(BRCA2):c.8211A>T (p.Leu2737Phe)

Gene: BRCA2 (BRCA2 DNA repair associated; plus strand). Cytogenetic location: 13q13.1.
Variant type: single nucleotide variant.
Coding change: c.8211A>T on transcript NM_000059.4 (MANE Select); coding-DNA position 8211, A replaced by T.
Protein change: p.Leu2737Phe; replaces leucine 2737 with phenylalanine.
Molecular consequence: missense variant. On other transcripts: non-coding transcript variant (1).
Genome position (GRCh38, 1-based): chr13:32,363,413, A>T. VCF-style: chr13-32363413-A-T. GRCh37 (hg19) VCF-style: chr13-32937550-A-T.
Other names: c.8115A>T, p.Leu2705Phe (NM_001406719.1); c.3279A>T, p.Leu1093Phe (NM_001406721.1); c.8211A>T, p.Leu2737Phe (NM_001406720.1, NM_001432077.1); c.1794A>T, p.Leu598Phe (NM_001406722.1); short protein forms L598F, L2705F, L2737F, L1093F.
Identifiers: ClinVar variation 3825395 (VCV003825395.2).

ClinVar aggregate classification (germline): Uncertain significance. Review status: criteria provided, multiple submitters, no conflicts (2 of 4 stars). 2 submissions from 2 submitters: Uncertain significance (2). Last evaluated 2025-08-02.

Conditions:
Hereditary breast ovarian cancer syndrome. Also called: Hereditary breast and ovarian cancer syndrome; BRCA1- and BRCA2-Associated Hereditary Breast and Ovarian Cancer; Hereditary breast and ovarian cancer; Hereditary breast and ovarian cancer syndrome (HBOC); Breast and ovarian cancer; Hereditary breast and/or ovarian cancer syndrome. Identifiers: Orphanet 145, MedGen C0677776, MeSH D061325, MONDO:0003582. Disease mechanism: loss of function.
Hereditary cancer-predisposing syndrome. Also called: Hereditary neoplastic syndrome; Neoplastic Syndromes, Hereditary; Tumor predisposition; Hereditary Cancer Syndrome. Identifiers: Orphanet 140162, MedGen C0027672, MeSH D009386, MONDO:0015356.

Submissions (2):

Labcorp Genetics (formerly Invitae), Labcorp
Classification: Uncertain significance for Hereditary breast ovarian cancer syndrome. Last evaluated: 2025-08-02. Review status: criteria provided, single submitter. Criteria: Invitae Variant Classification Sherloc (09022015). Collection method: clinical testing. Allele origin: germline.
Comment: This sequence change replaces leucine, which is neutral and non-polar, with phenylalanine, which is neutral and non-polar, at codon 2737 of the BRCA2 protein (p.Leu2737Phe). This variant is not present in population databases (gnomAD no frequency). This variant has not been reported in the literature in individuals affected with BRCA2-related conditions. ClinVar contains an entry for this variant (Variation ID: 3825395). Invitae Evidence Modeling of protein sequence and biophysical properties (such as structural, functional, and spatial information, amino acid conservation, physicochemical variation, residue mobility, and thermodynamic stability) indicates that this missense variant is not expected to disrupt BRCA2 protein function with a negative predictive value of 95%. In summary, the available evidence is currently insufficient to determine the role of this variant in disease. Therefore, it has been classified as a Variant of Uncertain Significance.

Ambry Genetics
Classification: Uncertain significance for Hereditary cancer-predisposing syndrome. Last evaluated: 2024-12-16. Review status: criteria provided, single submitter. Criteria: Ambry Variant Classification Scheme 2023. Collection method: clinical testing. Allele origin: germline.
Comment: The p.L2737F variant (also known as c.8211A>T), located in coding exon 17 of the BRCA2 gene, results from an A to T substitution at nucleotide position 8211. The leucine at codon 2737 is replaced by phenylalanine, an amino acid with highly similar properties. This amino acid position is conserved. In addition, this alteration is predicted to be tolerated by in silico analysis. Based on the available evidence, the clinical significance of this variant remains unclear.